The following is an entry in ClinVar:

ClinVar aggregate classification (germline): Uncertain significance (1 of 4 stars; one submission).

Conditions:
Cardiovascular phenotype. Identifiers: MedGen CN230736.

Allele frequency attached by ClinVar (database versions not stated): gnomAD exomes 0.00001; TOPMed 0.00001; ExAC 0.00002; gnomAD 0.00001.
gnomAD v4.1: 7 of 1,613,398 alleles (0.00043%); highest among the groups gnomAD compares: Non-Finnish European, 0.00042%; no homozygotes.

Submission:

Ambry Genetics
Classification: Uncertain significance for Cardiovascular phenotype. Last evaluated: 2020-01-26. Review status: criteria provided, single submitter. Criteria: Ambry Variant Classification Scheme 2023. Collection method: clinical testing. Allele origin: germline.
Comment: The p.K12551E variant (also known as c.37651A>G), located in coding exon 137 of the TTN gene, results from an A to G substitution at nucleotide position 37651. The lysine at codon 12551 is replaced by glutamic acid, an amino acid with similar properties. This amino acid position is highly conserved in available vertebrate species. In addition, this alteration is predicted to be tolerated by in silico analysis. Since supporting evidence is limited at this time, the clinical significance of this alteration remains unclear.

NM_001267550.2(TTN):c.64846A>G (p.Lys21616Glu)

Genes: TTN (titin; minus strand), TTN-AS1 (TTN antisense RNA 1; plus strand). Cytogenetic location: 2q31.2.
Variant type: single nucleotide variant.
Coding change: c.64846A>G on transcript NM_001267550.2 (MANE Select); coding-DNA position 64846, A replaced by G.
Protein change: p.Lys21616Glu; replaces lysine 21616 with glutamic acid.
Molecular consequence: missense variant. On other transcripts: non-coding transcript variant (1).
Genome position (GRCh38, 1-based): chr2:178,584,795, T>C on the plus strand (A>G on the coding strand, the complement: TTN is on the minus strand). VCF-style: chr2-178584795-T-C. GRCh37 (hg19) VCF-style: chr2-179449522-T-C.
Other names: c.59923A>G, p.Lys19975Glu (NM_001256850.1); c.37651A>G, p.Lys12551Glu (NM_003319.4); c.57142A>G, p.Lys19048Glu (NM_133378.4); c.38026A>G, p.Lys12676Glu (NM_133432.3); c.38227A>G, p.Lys12743Glu (NM_133437.4); short protein forms K12551E, K21616E, K19048E, K19975E, K12676E, K12743E.
Identifiers: ClinVar variation 519030 (VCV000519030.5), dbSNP rs761445537, ClinGen allele CA1991829.